The following is an entry in ClinVar:

NM_000550.3(TYRP1):c.1293del (p.Ile432fs)

Genes: LURAP1L-AS1 (LURAP1L antisense RNA 1; minus strand), TYRP1 (tyrosinase related protein 1; plus strand). Cytogenetic location: 9p23.
Variant type: Deletion.
Coding change: c.1293del on transcript NM_000550.3 (MANE Select); coding-DNA position 1293, one base deleted (T; older notation c.1293delT).
Protein change: p.Ile432fs; shifts the reading frame from isoleucine 432.
Molecular consequence: frameshift variant.
Genome position (GRCh38, 1-based): chr9:12,708,028, T deleted. VCF-style (leftmost placement, unchanged base first): chr9-12708027-CT-C. GRCh37 (hg19) VCF-style: chr9-12708027-CT-C.
Other names: short protein forms I432fs.
Identifiers: ClinVar variation 2903508 (VCV002903508.3), dbSNP rs1818287916, ClinGen allele CA1834024810.
Genomic context (GRCh38, chr9:12,708,027, plus strand): 5'-TATTAATACGTTGTCTTTGGAATAATTTAGATATATCCACATTTCCATTGGAAAATGCCC[CT>C]ATTGGACATAATAGACAATACAACATGGTGCCATTCTGGCCCCCAGTCACCAACACAGAA-3'

ClinVar aggregate classification (germline): Pathogenic (1 of 4 stars; one submission).

Allele frequency attached by ClinVar (database versions not stated): gnomAD exomes below 0.00001; TOPMed below 0.00001.

Submission:

Labcorp Genetics (formerly Invitae), Labcorp
Classification: Pathogenic. Last evaluated: 2023-11-25. Review status: criteria provided, single submitter. Criteria: Invitae Variant Classification Sherloc (09022015). Collection method: clinical testing. Allele origin: germline.
Comment: This sequence change creates a premature translational stop signal (p.Ile432Leufs*47) in the TYRP1 gene. While this is not anticipated to result in nonsense mediated decay, it is expected to disrupt the last 106 amino acid(s) of the TYRP1 protein. This variant is not present in population databases (gnomAD no frequency). This variant has not been reported in the literature in individuals affected with TYRP1-related conditions. This variant disrupts a region of the TYRP1 protein in which other variant(s) (p.Gly433Glu) have been determined to be pathogenic (Invitae). This suggests that this is a clinically significant region of the protein, and that variants that disrupt it are likely to be disease-causing. For these reasons, this variant has been classified as Pathogenic.